The following is an entry in ClinVar:

ClinVar aggregate classification (germline): Uncertain significance (1 of 4 stars; one submission).

Conditions:
LAMA2-related muscular dystrophy (LAMA2-RD). Also called: Laminin alpha 2-related dystrophy. Identifiers: MedGen C5679788, MONDO:0100228.

Submission:

Labcorp Genetics (formerly Invitae), Labcorp
Classification: Uncertain significance for LAMA2-related muscular dystrophy. Last evaluated: 2022-06-11. Review status: criteria provided, single submitter. Criteria: Invitae Variant Classification Sherloc (09022015). Collection method: clinical testing. Allele origin: germline.
Comment: This variant has not been reported in the literature in individuals affected with LAMA2-related conditions. In summary, the available evidence is currently insufficient to determine the role of this variant in disease. Therefore, it has been classified as a Variant of Uncertain Significance. Advanced modeling of protein sequence and biophysical properties (such as structural, functional, and spatial information, amino acid conservation, physicochemical variation, residue mobility, and thermodynamic stability) performed at Invitae indicates that this missense variant is not expected to disrupt LAMA2 protein function. This variant is not present in population databases (gnomAD no frequency). This sequence change replaces aspartic acid, which is acidic and polar, with glycine, which is neutral and non-polar, at codon 1430 of the LAMA2 protein (p.Asp1430Gly).

NM_000426.4(LAMA2):c.4289A>G (p.Asp1430Gly)

Gene: LAMA2 (laminin subunit alpha 2; plus strand). Cytogenetic location: 6q22.33.
Variant type: single nucleotide variant.
Coding change: c.4289A>G on transcript NM_000426.4 (MANE Select); coding-DNA position 4289, A replaced by G.
Protein change: p.Asp1430Gly; replaces aspartic acid 1430 with glycine.
Molecular consequence: missense variant.
Genome position (GRCh38, 1-based): chr6:129,328,390, A>G. VCF-style: chr6-129328390-A-G. GRCh37 (hg19) VCF-style: chr6-129649535-A-G.
Other names: c.4289A>G, p.Asp1430Gly (NM_001079823.2); short protein forms D1430G.
Identifiers: ClinVar variation 2004895 (VCV002004895.4), dbSNP rs2482476366, ClinGen allele CA365614493.
Genomic context (GRCh38, chr6:129,328,390, plus strand): 5'-CTGGACCAACCCTGGGCACCTGTGTTCCATGTCAATGTAATGGACACAGCAGCCTGTGTG[A>G]CCCTGAAACATCGATATGCCAGGTAGTCCTCTGAGCCTTCCTTGAACAAGGTCCATGTGC-3'
Protein context (NP_000417.3, residues 1420-1440): CQCNGHSSLC[Asp1430Gly]PETSICQNCQ